The following continues an entry in ClinVar:

NM_007294.4(BRCA1):c.122A>T (p.His41Leu)

Gene: BRCA1. ClinVar aggregate classification (germline): Likely pathogenic. Likely pathogenic (1).

Submissions 7 to 11 of 11:

Color Diagnostics, LLC DBA Color Health
Classification: Likely pathogenic for Hereditary cancer-predisposing syndrome. Last evaluated: 2020-02-10. Review status: criteria provided, single submitter. Criteria: ACMG Guidelines, 2015. Collection method: clinical testing. Allele origin: germline. Not counted in ClinVar's aggregate classification.
Comment: This missense variant replaces histidine with leucine at codon 41 of the BRCA1 protein. Computational prediction suggests that this variant may have deleterious impact on protein structure and function (internally defined REVEL score threshold >= 0.7, PMID: 27666373). Splice site prediction tools suggest that this variant may not impact RNA splicing. Functional studies have shown that this variant is non-functional in a homology-direct repair assay (PMID: 30219179) and in a haploid cell proliferation assay (PMID: 30209399) and disrupts binding to E2 ubiquitin conjugating enzyme (PMID: 16403807). This variant has been reported in an individual affected with breast cancer (PMID: 25186627). A different variant occurring at the same position, p.His41Arg, is classified as Pathogenic (Clinvar variation ID: 54166), suggesting that histidine at this position is important for BRCA1 function. This variant has not been identified in the general population by the Genome Aggregation Database (gnomAD). Based on the available evidence, this variant is classified as Likely Pathogenic.

Baylor Genetics
Classification: Likely pathogenic for Fanconi anemia, complementation group S. Last evaluated: 2020-01-13. Review status: criteria provided, single submitter. Criteria: ACMG Guidelines, 2015. Collection method: clinical testing. Allele origin: maternal. Affected: yes. Study: CSER-TexasKidsCanSeq. Not counted in ClinVar's aggregate classification.
Comment: This variant was determined to be likely pathogenic according to ACMG Guidelines, 2015 [PMID:25741868]. This variant has been previously reported as disease-causing [PMID 25186627, 30209399]

GeneDx
Classification: Likely pathogenic. Last evaluated: 2017-07-17. Review status: criteria provided, single submitter. Criteria: GeneDx Variant Classification (06012015). Collection method: clinical testing. Allele origin: germline. Affected: yes. Not counted in ClinVar's aggregate classification.
Comment: This variant is denoted BRCA1 c.122A>T at the cDNA level, p.His41Leu (H41L) at the protein level, and results in the change of a Histidine to a Leucine (CAC>CTC). Using alternate nomenclature, this variant would be defined as BRCA1 241A>T. Functional interrogation of BRCA1 His41Leu by yeast-hybrid assay demonstrates impaired interaction between the variant and E2 (UbcH5a) in comparison to wild type (Morris 2006). In addition, a less severe, conservative amino acid change BRCA1 His41Arg (H41R) was predicted to be pathogenic by a multifactorial model based on pathology, species conservation and familial co-segregation, was deficient in a single strand annealing assay, has been associated with centrosome amplification, was non-functional in a homology-directed recombination (HDR) assay and exhibited decreased BARD1 binding and ubiquitin ligase activity (Whiley 2014, Towler 2013, Kais 2012, Ransburgh 2010, Morris 2006). BRCA1 His41Leu was not observed in large population cohorts (NHLBI Exome Sequencing Project, The 1000 Genomes Consortium 2015, Lek 2016). Since Histidine and Leucine differ in polarity, charge, size or other properties, this is considered a non-conservative amino acid substitution. BRCA1 His41Leu occurs at a position that is conserved in mammals and is located in the RING-finger domain and Ub site, as well as a region known to interact with multiple other proteins (Wu 1996, Narod 2004, Borg 2010, Harte 2010, Paul 2014). In silico analyses predict that this variant is probably damaging to protein structure and function. Based on the currently available information, we consider BRCA1 His41Leu to be a likely pathogenic variant.

Counsyl
Classification: Uncertain significance for Breast-ovarian cancer, familial, susceptibility to, 1. Last evaluated: 2017-11-21. Review status: no assertion criteria provided. Collection method: clinical testing. Allele origin: unknown. Not counted in ClinVar's aggregate classification.

Brotman Baty Institute, University of Washington
No classification provided (evidence only). Condition: Breast-ovarian cancer, familial 1. Review status: no classification provided. Collection method: in vitro. Allele origin: not applicable. Functional consequence: functionally_abnormal. Not counted in ClinVar's aggregate classification.
ClinVar note: "not provided" was previously submitted as the classification for the variant. However, the classification appeared to be based only on an observation of functional data so it was converted to no classification on 2025-07-30.

Literature cited by the submitters: PubMed 25186627 (cited by 5 submitters); PubMed 30209399 (cited by 5 submitters); PubMed 25823446 (cited by 3 submitters); PubMed 30219179 (cited by 3 submitters); PubMed 20103620 (cited by Labcorp Genetics (formerly Invitae), Labcorp); PubMed 21725363 (cited by Labcorp Genetics (formerly Invitae), Labcorp); PubMed 24489791 (cited by Labcorp Genetics (formerly Invitae), Labcorp); PubMed 16403807 (cited by 4 submitters); PubMed 34413315 (cited by Women's Health and Genetics/Laboratory Corporation of America, LabCorp); PubMed 26295337 (cited by Quest Diagnostics Nichols Institute San Juan Capistrano).